The following is an entry in ClinVar:

NM_000143.4(FH):c.894_896del (p.Ala299del)

Gene: FH (fumarate hydratase; minus strand). Cytogenetic location: 1q43.
Variant type: Deletion.
Coding change: c.894_896del on transcript NM_000143.4 (MANE Select); coding-DNA positions 894 to 896, 3 bases deleted (TGC; older notation c.894_896delTGC).
Protein change: p.Ala299del; deletes alanine 299.
Molecular consequence: inframe deletion.
Genome position (GRCh38, 1-based): chr1:241,506,011-241,506,013, GCA deleted on the plus strand (TGC on the coding strand, the reverse complement: FH is on the minus strand); deleting any 3 consecutive bases within chr1:241,506,011-241,506,015 gives the same sequence; the c. name uses the placement nearest the transcript's 3' end. VCF-style (leftmost placement, unchanged base first): chr1-241506010-TGCA-T. GRCh37 (hg19) VCF-style: chr1-241669310-TGCA-T.
Other names: c.894_896delTGC (NM_000143.3); short protein forms A299del.
Identifiers: ClinVar variation 214398 (VCV000214398.1), dbSNP rs863223986, ClinGen allele CA322366.

ClinVar aggregate classification (germline): Uncertain significance (1 of 4 stars; one submission).

Submission:

GeneDx
Classification: Uncertain significance. Last evaluated: 2014-03-11. Review status: criteria provided, single submitter. Criteria: GeneDx Variant Classification (06012015). Collection method: clinical testing. Allele origin: germline. Affected: yes.
Comment: The c.894_896delTGC variant has not been published as a mutation, nor has it been reported as a benign polymorphism to our knowledge. The c.894_896delTGC variant is an in-frame deletion resulting in the deletion of a single Alanine codon and is not expected to result in protein truncation or nonsense-mediated mRNA decay. This variant occurs at a position in the FH protein that is moderately conserved in mammals. Therefore, based on the currently available information, it is unclear whether c.894_896delTGC is a disease-causing mutation or a rare benign variant. The variant is found in FH panel(s).